The following is an entry in ClinVar:

NM_001958.5(EEF1A2):c.375G>A (p.Ala125=)

Gene: EEF1A2 (eukaryotic translation elongation factor 1 alpha 2; minus strand). Cytogenetic location: 20q13.33.
Variant type: single nucleotide variant.
Coding change: c.375G>A on transcript NM_001958.5 (MANE Select); coding-DNA position 375, G replaced by A.
Protein change: p.Ala125=; no amino-acid change (alanine 125 retained).
Molecular consequence: synonymous variant.
Genome position (GRCh38, 1-based): chr20:63,495,051, C>T on the plus strand (G>A on the coding strand, the complement: EEF1A2 is on the minus strand). VCF-style: chr20-63495051-C-T. GRCh37 (hg19) VCF-style: chr20-62126404-C-T.
Other names: p.Ala125=.
Identifiers: ClinVar variation 386890 (VCV000386890.20), dbSNP rs2274861, ClinGen allele CA9959107.
Genomic context (GRCh38, chr20:63,495,051, plus strand): 5'-CACACCCAGCGTGTAGGCCAGCAGGGCATGCTCCCGCGTCTGCCCATTCTTGGAGATGCC[C>T]GCCTCGAACTCGCCCACGCCCGCCGCCACGATCAGCACTGCGCAGTCCGCCTGCCCGGCA-3'
Protein context (NP_001949.1, residues 115-135): IVAAGVGEFE[Ala125=]GISKNGQTRE

ClinVar aggregate classification (germline): Benign/Likely benign. Review status: criteria provided, multiple submitters, no conflicts (2 of 4 stars). 6 submissions from 6 submitters: Benign (4); Likely benign (1). 1 of the submissions does not count toward it. Last evaluated 2025-12-15.

Conditions:
Inborn genetic diseases. Identifiers: MedGen C0950123, MeSH D030342.
Developmental and epileptic encephalopathy, 33 (DEE33). Also called: Epileptic encephalopathy, early infantile, 33. Identifiers: Orphanet 442835, MedGen C4225337, MONDO:0014625, OMIM 616409.
EEF1A2-related disorder. Also called: EEF1A2-related condition; EEF1A2-related disorders.

Allele frequency attached by ClinVar (database versions not stated): ESP Exome Variant Server 0.00046; gnomAD 0.00046 and 0.00069; TOPMed 0.00088; gnomAD exomes 0.00106; ExAC 0.00125; 1000 Genomes Project 30x 0.00297; 1000 Genomes Project 0.00319.
gnomAD v4.1: 1,462 of 1,612,538 alleles (0.091%); highest among the groups gnomAD compares: East Asian, 2.9%; 29 homozygotes.

Submissions (6):

Labcorp Genetics (formerly Invitae), Labcorp
Classification: Benign for Developmental and epileptic encephalopathy, 33. Last evaluated: 2025-12-15. Review status: criteria provided, single submitter. Criteria: Invitae Variant Classification Sherloc (09022015). Collection method: clinical testing. Allele origin: germline.

Blueprint Genetics
Classification: Likely benign. Last evaluated: 2024-10-04. Review status: criteria provided, single submitter. Criteria: ACMG Guidelines, 2015. Collection method: clinical testing. Allele origin: germline.

Mayo Clinic Laboratories, Mayo Clinic
Classification: Benign. Last evaluated: 2020-10-23. Review status: criteria provided, single submitter. Criteria: ACMG Guidelines, 2015. Collection method: clinical testing. Allele origin: germline. Observed: 2 variant alleles.

Ambry Genetics
Classification: Benign for Inborn genetic diseases. Last evaluated: 2017-05-31. Review status: criteria provided, single submitter. Criteria: Ambry Variant Classification Scheme 2023. Collection method: clinical testing. Allele origin: germline.

GeneDx
Classification: Benign. Last evaluated: 2016-09-16. Review status: criteria provided, single submitter. Criteria: GeneDx Variant Classification (06012015). Collection method: clinical testing. Allele origin: germline. Affected: yes.
Comment: This variant is considered likely benign or benign based on one or more of the following criteria: it is a conservative change, it occurs at a poorly conserved position in the protein, it is predicted to be benign by multiple in silico algorithms, and/or has population frequency not consistent with disease.

PreventionGenetics, part of Exact Sciences
Classification: Benign for EEF1A2-related condition. Last evaluated: 2020-01-13. Review status: no assertion criteria provided. Collection method: clinical testing. Allele origin: germline. Not counted in ClinVar's aggregate classification.
Comment: This variant is classified as benign based on ACMG/AMP sequence variant interpretation guidelines (Richards et al. 2015 PMID: 25741868, with internal and published modifications).